The following is an entry in ClinVar:

NM_007327.4(GRIN1):c.892_894del (p.Lys298del)

Gene: GRIN1 (glutamate ionotropic receptor NMDA type subunit 1; plus strand). Cytogenetic location: 9q34.3.
Variant type: Deletion.
Coding change: c.892_894del on transcript NM_007327.4 (MANE Select); coding-DNA positions 892 to 894, 3 bases deleted (AAG; older notation c.892_894delAAG).
Protein change: p.Lys298del; deletes lysine 298.
Molecular consequence: inframe deletion.
Genome position (GRCh38, 1-based): chr9:137,156,961-137,156,963, AAG deleted; deleting any 3 consecutive bases within chr9:137,156,959-137,156,963 gives the same sequence; the c. name uses the placement nearest the transcript's 3' end. VCF-style (leftmost placement, unchanged base first): chr9-137156958-GAGA-G. GRCh37 (hg19) VCF-style: chr9-140051410-GAGA-G.
Other names: c.892_894del (NM_007327.3); c.892_894del, p.Lys298del (NM_000832.7, NM_021569.4); c.955_957del, p.Lys319del (NM_001185090.2, NM_001185091.2); short protein forms K319del, K298del.
Identifiers: ClinVar variation 1375680 (VCV001375680.6), dbSNP rs1455640330, ClinGen allele CA591372589.

ClinVar aggregate classification (germline): Uncertain significance. Review status: criteria provided, multiple submitters, no conflicts (2 of 4 stars). 2 submissions from 2 submitters: Uncertain significance (2). Last evaluated 2023-04-24.

Conditions:
Neurodevelopmental disorder with or without hyperkinetic movements and seizures, autosomal dominant. Also called: Intellectual disability, autosomal dominant 8. Identifiers: MedGen C3280282, MONDO:0013655, OMIM 614254.

Submissions (2):

GeneDx
Classification: Uncertain significance. Last evaluated: 2023-04-24. Review status: criteria provided, single submitter. Criteria: GeneDx Variant Classification Process June 2021. Collection method: clinical testing. Allele origin: germline. Affected: yes.
Comment: In-frame deletion of 1 amino acids in a non-repeat region; In silico analysis supports a deleterious effect on protein structure/function; Has not been previously published as pathogenic or benign to our knowledge

Labcorp Genetics (formerly Invitae), Labcorp
Classification: Uncertain significance for Neurodevelopmental disorder with or without hyperkinetic movements and seizures, autosomal dominant. Last evaluated: 2023-01-14. Review status: criteria provided, single submitter. Criteria: Invitae Variant Classification Sherloc (09022015). Collection method: clinical testing. Allele origin: germline.
Comment: In summary, the available evidence is currently insufficient to determine the role of this variant in disease. Therefore, it has been classified as a Variant of Uncertain Significance. This variant, c.892_894del, results in the deletion of 1 amino acid(s) of the GRIN1 protein (p.Lys298del), but otherwise preserves the integrity of the reading frame. This variant is present in population databases (no rsID available, gnomAD 0.003%). This variant has not been reported in the literature in individuals affected with GRIN1-related conditions. ClinVar contains an entry for this variant (Variation ID: 1375680). Experimental studies and prediction algorithms are not available or were not evaluated, and the functional significance of this variant is currently unknown.